The following is an entry in ClinVar:

ClinVar aggregate classification (germline): Uncertain significance (1 of 4 stars; one submission).

Submission:

GeneDx
Classification: Uncertain significance. Last evaluated: 2022-06-02. Review status: criteria provided, single submitter. Criteria: GeneDx Variant Classification Process June 2021. Collection method: clinical testing. Allele origin: germline. Affected: yes.
Comment: In-frame deletion of 8 amino acids in a non-repeat region; In silico analysis supports a deleterious effect on protein structure/function; Has not been previously published as pathogenic or benign to our knowledge

NM_017757.3(ZNF407):c.6613_6636del (p.Thr2205_Ala2212del)

Gene: ZNF407 (zinc finger protein 407; plus strand). Cytogenetic location: 18q22.3.
Variant type: Deletion.
Coding change: c.6613_6636del on transcript NM_017757.3 (MANE Select); coding-DNA positions 6613 to 6636, 24 bases deleted (ACGCTAGGCACAGAGGCCGGGGCC).
Protein change: p.Thr2205_Ala2212del.
Molecular consequence: inframe deletion.
Genome position (GRCh38, 1-based): chr18:75,064,334-75,064,357, ACGCTAGGCACAGAGGCCGGGGCC deleted; deleting any 24 consecutive bases within chr18:75,064,323-75,064,357 gives the same sequence; the c. name uses the placement nearest the transcript's 3' end. VCF-style (leftmost placement, unchanged base first): chr18-75064322-CAGGCCGGGGCCACGCTAGGCACAG-C. GRCh37 (hg19) VCF-style: chr18-72776278-CAGGCCGGGGCCACGCTAGGCACAG-C.
Other names: c.6613_6636del, p.Thr2205_Ala2212del (NM_001384475.1).
Identifiers: ClinVar variation 1802131 (VCV001802131.1), dbSNP rs746873877, ClinGen allele CA9001414.